The following is an entry in ClinVar:

NM_001366028.2(DNAH12):c.5253+263A>T

Gene: DNAH12 (dynein axonemal heavy chain 12; minus strand). Cytogenetic location: 3p14.3.
Variant type: single nucleotide variant.
Coding change: c.5253+263A>T on transcript NM_001366028.2 (MANE Select); 263 bases into the intron after coding-DNA position 5253, A replaced by T.
Molecular consequence: intron variant.
Genome position (GRCh38, 1-based): chr3:57,428,370, T>A on the plus strand (A>T on the coding strand, the complement: DNAH12 is on the minus strand). VCF-style: chr3-57428370-T-A. GRCh37 (hg19) VCF-style: chr3-57414097-T-A.
Identifiers: ClinVar variation 402634 (VCV000402634.5), dbSNP rs17793014, ClinGen allele CA2464843.

ClinVar aggregate classification (germline): Benign. Review status: criteria provided, multiple submitters, no conflicts (2 of 4 stars). 2 submissions from 2 submitters: Benign (2). Last evaluated 2016-03-29.

Allele frequency attached by ClinVar (database versions not stated): 1000 Genomes Project 30x 0.23610; 1000 Genomes Project 0.23742; TOPMed 0.30149; gnomAD 0.31890 and 0.32018; gnomAD exomes 0.33940 and 0.41295; ExAC 0.37006.
gnomAD v4.1: 538,024 of 1,340,342 alleles (40%); highest among the groups gnomAD compares: Non-Finnish European, 44%; 113,438 homozygotes.

Submissions (2):

Laboratory for Molecular Medicine, Mass General Brigham Personalized Medicine
Classification: Benign. Last evaluated: 2016-03-29. Review status: criteria provided, single submitter. Criteria: LMM Criteria. Collection method: clinical testing. Allele origin: germline.
Comment: Variant identified in a genome or exome case(s) and assessed due to predicted null impact of the variant or pathogenic assertions in the literature or databases. Disclaimer: This variant has not undergone full assessment. The following are preliminary notes: Frequency

Breakthrough Genomics
Classification: Benign. Review status: criteria provided, single submitter. Criteria: ACMG Guidelines, 2015. Collection method: not provided. Allele origin: germline. Inheritance: Unknown mechanism. Affected: yes.